The following is an entry in ClinVar:

ClinVar aggregate classification (germline): Uncertain significance (1 of 4 stars; one submission).

Conditions:
Dilated cardiomyopathy 1W (CMD1W). Identifiers: Orphanet 154, MedGen C1969639, MONDO:0012667, OMIM 611407.

Submission:

Labcorp Genetics (formerly Invitae), Labcorp
Classification: Uncertain significance for Dilated cardiomyopathy 1W. Last evaluated: 2024-07-19. Review status: criteria provided, single submitter. Criteria: Invitae Variant Classification Sherloc (09022015). Collection method: clinical testing. Allele origin: germline.
Comment: This sequence change replaces alanine, which is neutral and non-polar, with glycine, which is neutral and non-polar, at codon 803 of the VCL protein (p.Ala803Gly). This variant is not present in population databases (gnomAD no frequency). This variant has not been reported in the literature in individuals affected with VCL-related conditions. An algorithm developed to predict the effect of missense changes on protein structure and function (PolyPhen-2) suggests that this variant is likely to be tolerated. In summary, the available evidence is currently insufficient to determine the role of this variant in disease. Therefore, it has been classified as a Variant of Uncertain Significance.

NM_014000.3(VCL):c.2408C>G (p.Ala803Gly)

Gene: VCL (vinculin; plus strand). Cytogenetic location: 10q22.2.
Variant type: single nucleotide variant.
Coding change: c.2408C>G on transcript NM_014000.3 (MANE Select); coding-DNA position 2408, C replaced by G.
Protein change: p.Ala803Gly; replaces alanine 803 with glycine.
Molecular consequence: missense variant.
Genome position (GRCh38, 1-based): chr10:74,105,327, C>G. VCF-style: chr10-74105327-C-G. GRCh37 (hg19) VCF-style: chr10-75865085-C-G.
Other names: c.2408C>G, p.Ala803Gly (NM_003373.4); short protein forms A803G.
Identifiers: ClinVar variation 3620554 (VCV003620554.2).